The following is an entry in ClinVar:

ClinVar aggregate classification (germline): Likely pathogenic. Review status: criteria provided, multiple submitters, no conflicts (2 of 4 stars). 2 submissions from 2 submitters: Likely pathogenic (2). Last evaluated 2024-07-01.

Conditions:
Inborn genetic diseases. Identifiers: MedGen C0950123, MeSH D030342.
Hereditary spastic paraplegia 4. Also called: Spastic paraplegia 4, autosomal dominant; Spastic Paraplegia 4; Familial spastic paraplegia autosomal dominant 2. Identifiers: Orphanet 100985, MedGen C1866855, MONDO:0008438, OMIM 182601.

Submissions (2):

Labcorp Genetics (formerly Invitae), Labcorp
Classification: Likely pathogenic for Hereditary spastic paraplegia 4. Last evaluated: 2024-07-01. Review status: criteria provided, single submitter. Criteria: Invitae Variant Classification Sherloc (09022015). Collection method: clinical testing. Allele origin: germline.
Comment: This sequence change replaces asparagine, which is neutral and polar, with aspartic acid, which is acidic and polar, at codon 487 of the SPAST protein (p.Asn487Asp). This variant is not present in population databases (gnomAD no frequency). This missense change has been observed in individuals with clinical features of hereditary spastic paraplegia (PMID: 27084228, 33084218; Invitae). ClinVar contains an entry for this variant (Variation ID: 521854). Advanced modeling of protein sequence and biophysical properties (such as structural, functional, and spatial information, amino acid conservation, physicochemical variation, residue mobility, and thermodynamic stability) performed at Invitae indicates that this missense variant is expected to disrupt SPAST protein function with a positive predictive value of 80%. This variant disrupts the p.Asn487 amino acid residue in SPAST. Other variant(s) that disrupt this residue have been determined to be pathogenic (PMID: 25131622). This suggests that this residue is clinically significant, and that variants that disrupt this residue are likely to be disease-causing. In summary, the currently available evidence indicates that the variant is pathogenic, but additional data are needed to prove that conclusively. Therefore, this variant has been classified as Likely Pathogenic.

Ambry Genetics
Classification: Likely pathogenic for Inborn genetic diseases. Last evaluated: 2017-08-17. Review status: criteria provided, single submitter. Criteria: Ambry exome assertion method (8-5-2015). Collection method: clinical testing. Allele origin: germline. Affected: yes. Observed: 1 variant allele.

Literature cited by the submitters: PubMed 27084228 (cited by Labcorp Genetics (formerly Invitae), Labcorp and Ambry Genetics); PubMed 33084218 (cited by Labcorp Genetics (formerly Invitae), Labcorp); PubMed 25131622 (cited by Labcorp Genetics (formerly Invitae), Labcorp).

NM_014946.4(SPAST):c.1459A>G (p.Asn487Asp)

Gene: SPAST (spastin; plus strand). Cytogenetic location: 2p22.3.
Variant type: single nucleotide variant.
Coding change: c.1459A>G on transcript NM_014946.4 (MANE Select); coding-DNA position 1459, A replaced by G.
Protein change: p.Asn487Asp; replaces asparagine 487 with aspartic acid.
Molecular consequence: missense variant.
Genome position (GRCh38, 1-based): chr2:32,137,154, A>G. VCF-style: chr2-32137154-A-G. GRCh37 (hg19) VCF-style: chr2-32362223-A-G.
Other names: c.1456A>G, p.Asn486Asp (NM_001363823.2); c.1360A>G, p.Asn454Asp (NM_001363875.2); c.1363A>G, p.Asn455Asp (NM_001377959.1, NM_199436.2); short protein forms N487D, N455D, N486D, N454D.
Identifiers: ClinVar variation 521854 (VCV000521854.7), dbSNP rs1553318323, ClinGen allele CA346502475.